The following is an entry in ClinVar:

NM_004484.4(GPC3):c.1033-4250T>C

Gene: GPC3 (glypican 3; minus strand). Cytogenetic location: Xq26.2.
Variant type: single nucleotide variant.
Coding change: c.1033-4250T>C on transcript NM_004484.4 (MANE Select); 4250 bases into the intron before coding-DNA position 1033, T replaced by C.
Molecular consequence: intron variant.
Genome position (GRCh38, 1-based): chrX:133,704,278, A>G on the plus strand (T>C on the coding strand, the complement: GPC3 is on the minus strand). VCF-style: chrX-133704278-A-G. GRCh37 (hg19) VCF-style: chrX-132838306-A-G.
Other names: c.871-4250T>C (NM_001164619.2); c.985-4250T>C (NM_001164618.2); c.1033-5T>C (NM_001164617.2).
Identifiers: ClinVar variation 3031770 (VCV003031770.2), dbSNP rs1039619847, ClinGen allele CA335978061.

ClinVar aggregate classification (germline): Likely benign (0 of 4 stars; one submission).

Conditions:
GPC3-related disorder. Also called: GPC3-related condition.

Allele frequency attached by ClinVar (database versions not stated): TOPMed 0.00006; gnomAD 0.00008.
gnomAD v4.1: 11 of 301,666 alleles (0.0036%); highest among the groups gnomAD compares: African/African-American, 0.034%; no homozygotes.

Submission:

PreventionGenetics, part of Exact Sciences
Classification: Likely benign for GPC3-related condition. Last evaluated: 2021-12-13. Review status: no assertion criteria provided. Collection method: clinical testing. Allele origin: germline.
Comment: This variant is classified as likely benign based on ACMG/AMP sequence variant interpretation guidelines (Richards et al. 2015 PMID: 25741868, with internal and published modifications).